The following is an entry in ClinVar:

ClinVar aggregate classification (germline): Pathogenic (1 of 4 stars; one submission).

Submission:

GeneDx
Classification: Pathogenic. Last evaluated: 2019-12-20. Review status: criteria provided, single submitter. Criteria: GeneDx Variant Classification Process June 2021. Collection method: clinical testing. Allele origin: germline. Affected: yes.
Comment: Canonical splice site variant in a gene for which loss-of-function is a known mechanism of disease; Not observed in large population cohorts (Lek et al., 2016); Has not been previously published as pathogenic or benign to our knowledge

NM_000074.3(CD40LG):c.289-2A>C

Gene: CD40LG (CD40 ligand; plus strand). Cytogenetic location: Xq26.3.
Variant type: single nucleotide variant.
Coding change: c.289-2A>C on transcript NM_000074.3 (MANE Select); the canonical splice acceptor site of the intron before coding-DNA position 289, A replaced by C.
Molecular consequence: splice acceptor variant.
Genome position (GRCh38, 1-based): chrX:136,654,371, A>C. VCF-style: chrX-136654371-A-C. GRCh37 (hg19) VCF-style: chrX-135736530-A-C.
Identifiers: ClinVar variation 1195319 (VCV001195319.2), dbSNP rs2148552377, ClinGen allele CA414754457.
Genomic context (GRCh38, chrX:136,654,371, plus strand): 5'-ATTTTAAAACCCCACAGCAGAGCCCCTGTCAAAATGACCTCTTGCAATGCTTCTTATTTT[A>C]GGATATAATGTTAAACAAAGAGGAGACGAAGAAAGAAAACAGCTTTGAAATGCAAAAAGG-3'